The following is an entry in ClinVar:

NM_001012339.3(DNAJC21):c.893A>G (p.Asp298Gly)

Gene: DNAJC21 (DnaJ heat shock protein family (Hsp40) member C21; plus strand). Cytogenetic location: 5p13.2.
Variant type: single nucleotide variant.
Coding change: c.893A>G on transcript NM_001012339.3 (MANE Select); coding-DNA position 893, A replaced by G.
Protein change: p.Asp298Gly; replaces aspartic acid 298 with glycine.
Molecular consequence: missense variant.
Genome position (GRCh38, 1-based): chr5:34,939,007, A>G. VCF-style: chr5-34939007-A-G. GRCh37 (hg19) VCF-style: chr5-34939112-A-G.
Other names: c.893A>G, p.Asp298Gly (NM_001348420.2, NM_194283.4); short protein forms D298G.
Identifiers: ClinVar variation 1506736 (VCV001506736.6), dbSNP rs1405244273, ClinGen allele CA359416400.

ClinVar aggregate classification (germline): Uncertain significance (1 of 4 stars; one submission).

Allele frequency attached by ClinVar (database versions not stated): gnomAD exomes below 0.00001 and 0.00001; TOPMed below 0.00001.
gnomAD v4.1: 1 of 1,573,380 alleles (0.000064%); highest among the groups gnomAD compares: African/African-American, 0.0014%; no homozygotes.

Submission:

Labcorp Genetics (formerly Invitae), Labcorp
Classification: Uncertain significance. Last evaluated: 2024-08-13. Review status: criteria provided, single submitter. Criteria: Invitae Variant Classification Sherloc (09022015). Collection method: clinical testing. Allele origin: germline.
Comment: This sequence change replaces aspartic acid, which is acidic and polar, with glycine, which is neutral and non-polar, at codon 298 of the DNAJC21 protein (p.Asp298Gly). This variant is present in population databases (no rsID available, gnomAD 0.009%). This variant has not been reported in the literature in individuals affected with DNAJC21-related conditions. ClinVar contains an entry for this variant (Variation ID: 1506736). An algorithm developed to predict the effect of missense changes on protein structure and function (PolyPhen-2) suggests that this variant is likely to be tolerated. Algorithms developed to predict the effect of sequence changes on RNA splicing suggest that this variant may disrupt the consensus splice site. In summary, the available evidence is currently insufficient to determine the role of this variant in disease. Therefore, it has been classified as a Variant of Uncertain Significance.